The following is an entry in ClinVar:

ClinVar aggregate classification (germline): Benign/Likely benign. Review status: criteria provided, multiple submitters, no conflicts (2 of 4 stars). 2 submissions from 2 submitters: Benign (1); Likely benign (1). Last evaluated 2024-10-23.

Conditions:
Birt-Hogg-Dube syndrome 1 (BHD1). Also called: FIBROFOLLICULOMAS WITH TRICHODISCOMAS AND ACROCHORDONS. Identifiers: Orphanet 122, MedGen CN375946, MONDO:0800445, OMIM 135150.
Hereditary cancer-predisposing syndrome. Also called: Neoplastic Syndromes, Hereditary; Tumor predisposition; Hereditary neoplastic syndrome; Hereditary Cancer Syndrome. Identifiers: Orphanet 140162, MedGen C0027672, MeSH D009386, MONDO:0015356.

Allele frequency attached by ClinVar (database versions not stated): gnomAD exomes below 0.00001.

Submissions (2):

Myriad Genetics, Inc.
Classification: Benign for Birt-Hogg-Dube syndrome 1. Last evaluated: 2024-10-23. Review status: criteria provided, single submitter. Criteria: Myriad Autosomal Dominant, Autosomal Recessive and X-Linked Classification Criteria (2023). Collection method: clinical testing. Allele origin: unknown.
Comment: This variant is considered benign. This variant is a silent/synonymous amino acid change and it is not expected to impact splicing.

Ambry Genetics
Classification: Likely benign for Hereditary cancer-predisposing syndrome. Last evaluated: 2023-11-16. Review status: criteria provided, single submitter. Criteria: Ambry Variant Classification Scheme 2023. Collection method: clinical testing. Allele origin: germline.

NM_144997.7(FLCN):c.820C>T (p.Leu274=)

Gene: FLCN (folliculin; minus strand). Cytogenetic location: 17p11.2.
Variant type: single nucleotide variant.
Coding change: c.820C>T on transcript NM_144997.7 (MANE Select); coding-DNA position 820, C replaced by T.
Protein change: p.Leu274=; no amino-acid change (leucine 274 retained).
Molecular consequence: synonymous variant.
Genome position (GRCh38, 1-based): chr17:17,221,588, G>A on the plus strand (C>T on the coding strand, the complement: FLCN is on the minus strand). VCF-style: chr17-17221588-G-A. GRCh37 (hg19) VCF-style: chr17-17124902-G-A.
Other names: c.874C>T, p.Leu292= (NM_001353229.2); c.820C>T, p.Leu274= (NM_001353230.2, NM_001353231.2, NM_144606.7).
Identifiers: ClinVar variation 3229260 (VCV003229260.2), dbSNP rs2544220418, ClinGen allele CA498163752.